The following is an entry in ClinVar:

ClinVar aggregate classification (germline): Conflicting classifications of pathogenicity. Review status: criteria provided, conflicting classifications (1 of 4 stars). 2 submissions from 2 submitters: Uncertain significance (1); Likely benign (1). Last evaluated 2025-12-28.

Conditions:
Adams-Oliver syndrome 5 (AOS5). Identifiers: Orphanet 974, MedGen C4014970, MONDO:0014459, OMIM 616028.
Familial thoracic aortic aneurysm and aortic dissection (TAAD). Also called: Thoracic aortic aneurysms and dissections. Identifiers: Orphanet 91387, MedGen C4707243, MONDO:0019625.

Allele frequency attached by ClinVar (database versions not stated): gnomAD 0.00001.
gnomAD v4.1: 7 of 1,609,014 alleles (0.00044%); highest among the groups gnomAD compares: Non-Finnish European, 0.00051%; no homozygotes.

Submissions (2):

Labcorp Genetics (formerly Invitae), Labcorp
Classification: Likely benign for Adams-Oliver syndrome 5. Last evaluated: 2025-12-28. Review status: criteria provided, single submitter. Criteria: Invitae Variant Classification Sherloc (09022015). Collection method: clinical testing. Allele origin: germline.

Ambry Genetics
Classification: Uncertain significance for Familial thoracic aortic aneurysm and aortic dissection. Last evaluated: 2024-11-27. Review status: criteria provided, single submitter. Criteria: Ambry Variant Classification Scheme 2023. Collection method: clinical testing. Allele origin: germline.
Comment: The p.M2543V variant (also known as c.7627A>G), located in coding exon 34 of the NOTCH1 gene, results from an A to G substitution at nucleotide position 7627. The methionine at codon 2543 is replaced by valine, an amino acid with highly similar properties. This amino acid position is conserved. In addition, this alteration is predicted to be tolerated by in silico analysis. Based on the available evidence, the clinical significance of this variant remains unclear.

NM_017617.5(NOTCH1):c.7627A>G (p.Met2543Val)

Gene: NOTCH1 (notch receptor 1; minus strand). Cytogenetic location: 9q34.3.
Variant type: single nucleotide variant.
Coding change: c.7627A>G on transcript NM_017617.5 (MANE Select); coding-DNA position 7627, A replaced by G.
Protein change: p.Met2543Val; replaces methionine 2543 with valine.
Molecular consequence: missense variant.
Genome position (GRCh38, 1-based): chr9:136,496,112, T>C on the plus strand (A>G on the coding strand, the complement: NOTCH1 is on the minus strand). VCF-style: chr9-136496112-T-C. GRCh37 (hg19) VCF-style: chr9-139390564-T-C.
Other names: short protein forms M2543V.
Identifiers: ClinVar variation 2481134 (VCV002481134.5), dbSNP rs752428699, ClinGen allele CA5339644.
Genomic context (GRCh38, chr9:136,496,112, plus strand): 5'-GTCTCGTGGGGCGCGCCGTTTACTTGAAGGCCTCCGGAATGCGGGCGATCTGGGACTGCA[T>C]GCTGGTGGGAGGGCTGGAGACGCCCTCGGACCAGTCGGAGACGTTGGAATGCGGGGACGA-3'
Protein context (NP_060087.3, residues 2533-2553): SEGVSSPPTS[Met2543Val]QSQIARIPEA